The following is an entry in ClinVar:

NM_182961.4(SYNE1):c.16657A>G (p.Thr5553Ala)

Gene: SYNE1 (spectrin repeat containing nuclear envelope protein 1; minus strand). Cytogenetic location: 6q25.2.
Variant type: single nucleotide variant.
Coding change: c.16657A>G on transcript NM_182961.4 (MANE Select); coding-DNA position 16657, A replaced by G.
Protein change: p.Thr5553Ala; replaces threonine 5553 with alanine.
Molecular consequence: missense variant.
Genome position (GRCh38, 1-based): chr6:152,316,902, T>C on the plus strand (A>G on the coding strand, the complement: SYNE1 is on the minus strand). VCF-style: chr6-152316902-T-C. GRCh37 (hg19) VCF-style: chr6-152638037-T-C.
Other names: c.16444A>G, p.Thr5482Ala (NM_033071.5); short protein forms T5482A, T5553A.
Identifiers: ClinVar variation 2637571 (VCV002637571.1), dbSNP rs2483491096, ClinGen allele CA366110313.

ClinVar aggregate classification (germline): Uncertain significance (1 of 4 stars; one submission).

Submission:

Women's Health and Genetics/Laboratory Corporation of America, LabCorp
Classification: Uncertain significance. Last evaluated: 2023-10-30. Review status: criteria provided, single submitter. Criteria: LabCorp Variant Classification Summary - May 2015. Collection method: clinical testing. Allele origin: germline.
Comment: Variant summary: SYNE1 c.16444A>G (p.Thr5482Ala) results in a non-conservative amino acid change in the encoded protein sequence. Three of five in-silico tools predict a benign effect of the variant on protein function. The variant was absent in 251386 control chromosomes (gnomAD). The available data on variant occurrences in the general population are insufficient to allow any conclusion about variant significance. To our knowledge, no occurrence of c.16444A>G in individuals affected with SYNE1-Related Disorders and no experimental evidence demonstrating its impact on protein function have been reported. No submitters have cited clinical-significance assessments for this variant to ClinVar after 2014. Based on the evidence outlined above, the variant was classified as uncertain significance.